The following is an entry in ClinVar:

NM_000292.3(PHKA2):c.2172T>C (p.Ser724=)

Gene: PHKA2 (phosphorylase kinase regulatory subunit alpha 2; minus strand). Cytogenetic location: Xp22.13.
Variant type: single nucleotide variant.
Coding change: c.2172T>C on transcript NM_000292.3 (MANE Select); coding-DNA position 2172, T replaced by C.
Protein change: p.Ser724=; no amino-acid change (serine 724 retained).
Molecular consequence: synonymous variant.
Genome position (GRCh38, 1-based): chrX:18,910,926, A>G on the plus strand (T>C on the coding strand, the complement: PHKA2 is on the minus strand). VCF-style: chrX-18910926-A-G. GRCh37 (hg19) VCF-style: chrX-18929044-A-G.
Identifiers: ClinVar variation 516976 (VCV000516976.8), dbSNP rs144151433, ClinGen allele CA10361701.
Genomic context (GRCh38, chrX:18,910,926, plus strand): 5'-CTTTACCTTTTCTAGGAGTGGCTGAGGAGAATCAACAAGATTCAGTGATTTACGGTGGGC[A>G]CTTAGAACTTTAGTCGGCAAAGTCATGGGAACAACTGGAAAACAAAAGAATAAAGAGAGT-3'
Protein context (NP_000283.1, residues 714-734): VPMTLPTKVL[Ser724=]AHRKSLNLVD

ClinVar aggregate classification (germline): Benign. Review status: criteria provided, multiple submitters, no conflicts (2 of 4 stars). 3 submissions from 3 submitters: Benign (2). 1 of the submissions does not count toward it. Last evaluated 2026-01-04.

Conditions:
Glycogen storage disease IXa1. Also called: LIVER GLYCOGENOSIS, X-LINKED, TYPE I; GLYCOGEN STORAGE DISEASE VIII; GSD VIII; Glycogen storage disease 8. Identifiers: Orphanet 264580, MedGen C3694531, MONDO:0010598, OMIM 306000.
PHKA2-related disorder. Also called: PHKA2-related condition.

Allele frequency attached by ClinVar (database versions not stated): gnomAD exomes 0.00007 and 0.00031; ExAC 0.00049; TOPMed 0.00066; gnomAD 0.00083 and 0.00087; ESP Exome Variant Server 0.00123; 1000 Genomes Project 30x 0.00375; 1000 Genomes Project 0.00450.
gnomAD v4.1: 178 of 1,191,797 alleles (0.015%); highest among the groups gnomAD compares: African/African-American, 0.27%; no homozygotes.

Submissions (3):

Labcorp Genetics (formerly Invitae), Labcorp
Classification: Benign for Glycogen storage disease IXa1. Last evaluated: 2026-01-04. Review status: criteria provided, single submitter. Criteria: Invitae Variant Classification Sherloc (09022015). Collection method: clinical testing. Allele origin: germline.

GeneDx
Classification: Benign. Last evaluated: 2017-05-10. Review status: criteria provided, single submitter. Criteria: GeneDx Variant Classification (06012015). Collection method: clinical testing. Allele origin: germline. Affected: yes.
Comment: This variant is considered likely benign or benign based on one or more of the following criteria: it is a conservative change, it occurs at a poorly conserved position in the protein, it is predicted to be benign by multiple in silico algorithms, and/or has population frequency not consistent with disease.

PreventionGenetics, part of Exact Sciences
Classification: Likely benign for PHKA2-related condition. Last evaluated: 2023-05-03. Review status: no assertion criteria provided. Collection method: clinical testing. Allele origin: germline. Not counted in ClinVar's aggregate classification.
Comment: This variant is classified as likely benign based on ACMG/AMP sequence variant interpretation guidelines (Richards et al. 2015 PMID: 25741868, with internal and published modifications).